The following is an entry in ClinVar:

ClinVar aggregate classification (germline): Likely pathogenic (1 of 4 stars; one submission).

Conditions:
Lissencephaly type 1 due to doublecortin gene mutation. Also called: LISSENCEPHALY, X-LINKED, 1; LISSENCEPHALY AND AGENESIS OF CORPUS CALLOSUM. Identifiers: Orphanet 2148, MedGen C4551968, MONDO:0010239, OMIM 300067.

Submission:

3billion
Classification: Likely pathogenic for Lissencephaly type 1 due to doublecortin gene mutation. Last evaluated: 2022-05-22. Review status: criteria provided, single submitter. Criteria: ACMG Guidelines, 2015. Collection method: clinical testing. Allele origin: germline. Affected: yes. Observed: 1 hemizygote.
Comment: The variant is not observed in the gnomAD v2.1.1 dataset. The variant is located in a mutational hot spot and/or well-established functional domain in which established pathogenic variants have been reported. Missense changes are a common disease-causing mechanism. In silico tool predictions suggest damaging effect of the variant on gene or gene product (REVEL: 0.84; 3Cnet: 0.99). Same nucleotide change resulting in same amino acid change has been previously reported to be associated with DCX related disorder (PMID: 18685874). Therefore, this variant is classified as likely pathogenic according to the recommendation of ACMG/AMP guideline.

Literature cited by the submitters: PubMed 18685874.

NM_001195553.2(DCX):c.548C>T (p.Thr183Ile)

Gene: DCX (doublecortin; minus strand). Cytogenetic location: Xq23.
Variant type: single nucleotide variant.
Coding change: c.548C>T on transcript NM_001195553.2 (MANE Select); coding-DNA position 548, C replaced by T.
Protein change: p.Thr183Ile; replaces threonine 183 with isoleucine.
Molecular consequence: missense variant.
Genome position (GRCh38, 1-based): chrX:111,401,147, G>A on the plus strand (C>T on the coding strand, the complement: DCX is on the minus strand). VCF-style: chrX-111401147-G-A. GRCh37 (hg19) VCF-style: chrX-110644375-G-A.
Other names: c.791C>T, p.Thr264Ile (NM_000555.3); c.548C>T, p.Thr183Ile (NM_001369370.1, NM_001369371.1, NM_001369372.1 and 5 more transcripts); short protein forms T183I, T264I.
Identifiers: ClinVar variation 1687178 (VCV001687178.1), dbSNP rs2147263018, ClinGen allele CA414246120.